The following is an entry in ClinVar:

NM_003601.4(SMARCA5):c.3010T>A (p.Leu1004Ile)

Gene: SMARCA5 (SNF2 related chromatin remodeling ATPase 5; plus strand). Cytogenetic location: 4q31.21.
Variant type: single nucleotide variant.
Coding change: c.3010T>A on transcript NM_003601.4 (MANE Select); coding-DNA position 3010, T replaced by A.
Protein change: p.Leu1004Ile; replaces leucine 1004 with isoleucine.
Molecular consequence: missense variant.
Genome position (GRCh38, 1-based): chr4:143,550,021, T>A. VCF-style: chr4-143550021-T-A. GRCh37 (hg19) VCF-style: chr4-144471174-T-A.
Other names: short protein forms L1004I.
Identifiers: ClinVar variation 3392718 (VCV003392718.1).

ClinVar aggregate classification (germline): Uncertain significance (1 of 4 stars; one submission).

Submission:

GeneDx
Classification: Uncertain significance. Last evaluated: 2024-06-24. Review status: criteria provided, single submitter. Criteria: GeneDx Variant Classification Process June 2021. Collection method: clinical testing. Allele origin: germline. Affected: yes.
Comment: Not observed at significant frequency in large population cohorts (gnomAD); In silico analysis indicates that this missense variant does not alter protein structure/function; Has not been previously published as pathogenic or benign to our knowledge